The following is an entry in ClinVar:

ClinVar aggregate classification (germline): Likely pathogenic (1 of 4 stars; one submission).

Submission:

Labcorp Genetics (formerly Invitae), Labcorp
Classification: Likely pathogenic. Last evaluated: 2023-10-03. Review status: criteria provided, single submitter. Criteria: Invitae Variant Classification Sherloc (09022015). Collection method: clinical testing. Allele origin: germline.
Comment: This sequence change affects a donor splice site in intron 6 of the LAMC3 gene. It is expected to disrupt RNA splicing. Variants that disrupt the donor or acceptor splice site typically lead to a loss of protein function (PMID: 16199547), and loss-of-function variants in LAMC3 are known to be pathogenic (PMID: 21572413, 26802095). This variant is not present in population databases (gnomAD no frequency). This variant has not been reported in the literature in individuals affected with LAMC3-related conditions. ClinVar contains an entry for this variant (Variation ID: 2119004). Algorithms developed to predict the effect of sequence changes on RNA splicing suggest that this variant may disrupt the consensus splice site. In summary, the currently available evidence indicates that the variant is pathogenic, but additional data are needed to prove that conclusively. Therefore, this variant has been classified as Likely Pathogenic.

Literature cited by the submitters: PubMed 16199547; PubMed 21572413; PubMed 26802095.

NM_006059.4(LAMC3):c.1283+1G>A

Gene: LAMC3 (laminin subunit gamma 3; plus strand). Cytogenetic location: 9q34.12.
Variant type: single nucleotide variant.
Coding change: c.1283+1G>A on transcript NM_006059.4 (MANE Select); the canonical splice donor site of the intron after coding-DNA position 1283, G replaced by A.
Molecular consequence: splice donor variant.
Genome position (GRCh38, 1-based): chr9:131,039,249, G>A. VCF-style: chr9-131039249-G-A. GRCh37 (hg19) VCF-style: chr9-133914636-G-A.
Identifiers: ClinVar variation 2119004 (VCV002119004.4), dbSNP rs2490716828, ClinGen allele CA375259998.